The following is an entry in ClinVar:

NM_053025.4(MYLK):c.4915G>A (p.Gly1639Ser)

Gene: MYLK (myosin light chain kinase; minus strand). Cytogenetic location: 3q21.1.
Variant type: single nucleotide variant.
Coding change: c.4915G>A on transcript NM_053025.4 (MANE Select); coding-DNA position 4915, G replaced by A.
Protein change: p.Gly1639Ser; replaces glycine 1639 with serine.
Molecular consequence: missense variant.
Genome position (GRCh38, 1-based): chr3:123,638,117, C>T on the plus strand (G>A on the coding strand, the complement: MYLK is on the minus strand). VCF-style: chr3-123638117-C-T. GRCh37 (hg19) VCF-style: chr3-123356964-C-T.
Other names: c.4387G>A, p.Gly1463Ser (NM_001321309.2); c.4708G>A, p.Gly1570Ser (NM_053026.4, NM_053028.4); c.4915G>A, p.Gly1639Ser (NM_053027.4); short protein forms G1639S, G1570S, G1463S.
Identifiers: ClinVar variation 546532 (VCV000546532.11), dbSNP rs143900788, ClinGen allele CA072224.

ClinVar aggregate classification (germline): Conflicting classifications of pathogenicity. Review status: criteria provided, conflicting classifications (1 of 4 stars). 3 submissions from 3 submitters: Uncertain significance (2); Likely benign (1). Last evaluated 2026-01-13.

Conditions:
Familial thoracic aortic aneurysm and aortic dissection (TAAD). Also called: Thoracic aortic aneurysms and dissections. Identifiers: Orphanet 91387, MedGen C4707243, MONDO:0019625.
Aortic aneurysm, familial thoracic 7 (AAT7). Also called: AORTIC DISSECTION, FAMILIAL, WITH OR WITHOUT AORTIC ANEURYSM. Identifiers: MedGen C3151077, MONDO:0013418, OMIM 613780.

Allele frequency attached by ClinVar (database versions not stated): ExAC 0.00016; TOPMed 0.00019; ESP Exome Variant Server 0.00038; 1000 Genomes Project 30x 0.00047; 1000 Genomes Project 0.00060.
gnomAD v4.1: 93 of 1,614,110 alleles (0.0058%); highest among the groups gnomAD compares: African/African-American, 0.063%; no homozygotes.

Submissions (3):

Labcorp Genetics (formerly Invitae), Labcorp
Classification: Likely benign for Aortic aneurysm, familial thoracic 7. Last evaluated: 2026-01-13. Review status: criteria provided, single submitter. Criteria: Invitae Variant Classification Sherloc (09022015). Collection method: clinical testing. Allele origin: germline.

Ambry Genetics
Classification: Uncertain significance for Familial thoracic aortic aneurysm and aortic dissection. Last evaluated: 2021-10-12. Review status: criteria provided, single submitter. Criteria: Ambry Variant Classification Scheme 2023. Collection method: clinical testing. Allele origin: germline.

GeneDx
Classification: Uncertain significance. Last evaluated: 2018-06-04. Review status: criteria provided, single submitter. Criteria: GeneDx Variant Classification (06012015). Collection method: clinical testing. Allele origin: germline. Affected: yes.
Comment: A variant of uncertain significance has been identified in the MYLK gene. The G1639S variant has not been published as pathogenic or been reported as benign to our knowledge. This variant is observed in 33/277152 (0.012%) alleles from individuals of multiple ethnic backgrounds in large population cohorts (Lek et al., 2016). Nevertheless, the G1639S variant is a non-conservative amino acid substitution, which is likely to impact secondary protein structure as these residues differ in polarity, charge, size and/or other properties. Finally, in-silico analyses, including protein predictors and evolutionary conservation, support a deleterious effect. Therefore, based on the currently available information, it is unclear whether this variant is pathogenic or rare benign.